The following is an entry in ClinVar:

NM_024753.5(TTC21B):c.1129G>A (p.Ala377Thr)

Gene: TTC21B (tetratricopeptide repeat domain 21B; minus strand). Cytogenetic location: 2q24.3.
Variant type: single nucleotide variant.
Coding change: c.1129G>A on transcript NM_024753.5 (MANE Select); coding-DNA position 1129, G replaced by A.
Protein change: p.Ala377Thr; replaces alanine 377 with threonine.
Molecular consequence: missense variant.
Genome position (GRCh38, 1-based): chr2:165,929,706, C>T on the plus strand (G>A on the coding strand, the complement: TTC21B is on the minus strand). VCF-style: chr2-165929706-C-T. GRCh37 (hg19) VCF-style: chr2-166786216-C-T.
Other names: c.1129G>A (NM_024753.4); short protein forms A377T.
Identifiers: ClinVar variation 2203879 (VCV002203879.3), dbSNP rs1202559306, ClinGen allele CA349066221.
Genomic context (GRCh38, chr2:165,929,706, plus strand): 5'-GTACCGCAGATTTTCCAATGGATTGCTGGATTTCATTTAAAAATTCTAGCTGCTGATCTG[C>T]ATCCTGTAATTGCCCTTCTATCAACTGACATTGGATAAATCCTAAAATCAAACAGCAGAA-3'
Protein context (NP_079029.3, residues 367-387): CQLIEGQLQD[Ala377Thr]DQQLEFLNEI

ClinVar aggregate classification (germline): Uncertain significance. Review status: criteria provided, multiple submitters, no conflicts (2 of 4 stars). 2 submissions from 2 submitters: Uncertain significance (2). Last evaluated 2026-07-30.

Conditions:
TTC21B-related disorder. Also called: TTC21B-related condition; TTC21B-related disorders.
Inborn genetic diseases. Identifiers: MedGen C0950123, MeSH D030342.

Allele frequency attached by ClinVar (database versions not stated): gnomAD exomes 0.00001; TOPMed 0.00003.
gnomAD v4.1: 6 of 1,612,816 alleles (0.00037%); highest among the groups gnomAD compares: Admixed American, 0.01%; no homozygotes.

Submissions (2):

PreventionGenetics, part of Exact Sciences
Classification: Uncertain significance for TTC21B-related condition. Last evaluated: 2026-07-30. Review status: criteria provided, single submitter. Criteria: ACMG Guidelines, 2015. Collection method: clinical testing. Allele origin: germline.
Comment: The TTC21B c.1129G>A variant is predicted to result in the amino acid substitution p.Ala377Thr. To our knowledge, this variant has not been reported in the literature. This variant is reported in 0.012% of alleles in individuals of Latino descent in gnomAD. At this time, the clinical significance of this variant is uncertain due to the absence of conclusive functional and genetic evidence.

Ambry Genetics
Classification: Uncertain significance for Inborn genetic diseases. Last evaluated: 2022-12-20. Review status: criteria provided, single submitter. Criteria: Ambry Variant Classification Scheme 2023. Collection method: clinical testing. Allele origin: germline.